The following is an entry in ClinVar:

NM_001110556.2(FLNA):c.2190_2193del (p.Tyr731fs)

Gene: FLNA (filamin A; minus strand). Cytogenetic location: Xq28.
Variant type: Deletion.
Coding change: c.2190_2193del on transcript NM_001110556.2 (MANE Select); coding-DNA positions 2190 to 2193, 4 bases deleted (TTAC; older notation c.2190_2193delTTAC).
Protein change: p.Tyr731fs; shifts the reading frame from tyrosine 731.
Molecular consequence: frameshift variant.
Genome position (GRCh38, 1-based): chrX:154,364,109-154,364,112, GTAA deleted on the plus strand (TTAC on the coding strand, the reverse complement: FLNA is on the minus strand); deleting any 4 consecutive bases within chrX:154,364,109-154,364,114 gives the same sequence; the c. name uses the placement nearest the transcript's 3' end. VCF-style (leftmost placement, unchanged base first): chrX-154364108-TGTAA-T. GRCh37 (hg19) VCF-style: chrX-153592476-TGTAA-T.
Other names: c.2190_2193delTTAC (NM_001456.3); c.2190_2193del, p.Tyr731fs (NM_001456.4); short protein forms Y731fs.
Identifiers: ClinVar variation 213492 (VCV000213492.7), dbSNP rs863223630, ClinGen allele CA320241.

ClinVar aggregate classification (germline): Pathogenic/Likely pathogenic. Review status: criteria provided, multiple submitters, no conflicts (2 of 4 stars). 2 submissions from 2 submitters: Pathogenic (1); Likely pathogenic (1). Last evaluated 2023-03-11.

Conditions:
Oto-palato-digital syndrome, type II (OPD2). Also called: Otopalatodigital Syndrome, Type II; FACIOPALATOOSSEOUS SYNDROME; OPD II SYNDROME; Otopalatodigital Syndrome Type 2 (FLNA-OPD2). Identifiers: Orphanet 669, Orphanet 90652, MedGen C1844696, MONDO:0010571, OMIM 304120.
Frontometaphyseal dysplasia (FMD1). Identifiers: Orphanet 1826, MedGen C0265293, MONDO:0015942.
Heterotopia, periventricular, X-linked dominant (PVNH1). Also called: PERIVENTRICULAR NODULAR HETEROTOPIA 1; X-linked periventricular heterotopia; PERIVENTRICULAR NODULAR HETEROTOPIA 4; HETEROTOPIA, PERIVENTRICULAR, 1. Identifiers: Orphanet 2149, Orphanet 82004, MedGen C1848213, MONDO:0010233, OMIM 300049.
Melnick-Needles syndrome (MNS). Also called: MELNICK-NEEDLES OSTEODYSPLASTY; OSTEODYSPLASTY OF MELNICK AND NEEDLES; Melnick-Needles Syndrome (FLNA-MNS). Identifiers: Orphanet 2484, MedGen C0025237, MONDO:0010650, OMIM 309350.

Submissions (2):

Labcorp Genetics (formerly Invitae), Labcorp
Classification: Pathogenic for Oto-palato-digital syndrome, type II; Heterotopia, periventricular, X-linked dominant; Frontometaphyseal dysplasia; Melnick-Needles syndrome. Last evaluated: 2023-03-11. Review status: criteria provided, single submitter. Criteria: Invitae Variant Classification Sherloc (09022015). Collection method: clinical testing. Allele origin: germline.
Comment: This variant is not present in population databases (gnomAD no frequency). This premature translational stop signal has been observed in individual(s) with FLNA-related conditions (PMID: 28898549). ClinVar contains an entry for this variant (Variation ID: 213492). For these reasons, this variant has been classified as Pathogenic. This sequence change creates a premature translational stop signal (p.Tyr731Alafs*10) in the FLNA gene. It is expected to result in an absent or disrupted protein product. Loss-of-function variants in FLNA are known to be pathogenic (PMID: 16684786, 20730588, 26471271).

GeneDx
Classification: Likely pathogenic. Last evaluated: 2017-02-16. Review status: criteria provided, single submitter. Criteria: GeneDx Variant Classification (06012015). Collection method: clinical testing. Allele origin: germline. Affected: yes.
Comment: Although the c.2190_2193delTTAC likely pathogenic variant in the FLNA gene has not been reported to our knowledge, this variant causes a shift in reading frame starting at codon tyrosine (Y) 731, changing it to an alanine (A), and creating a premature stop codon at position 10 of the new reading frame, denoted p.Tyr731AlafsX10. This likely pathogenic variant is expected to result in either an abnormal, truncated protein product or loss of protein from this allele through nonsense-mediated mRNA decay. Multiple frameshift and nonsense variants in the FLNA gene have been reported in the Human Gene Mutation Database in association with PH (Stenson et al., 2014), indicating that loss of function is a mechanism of disease for this gene. In summary, c.2190_2193delTTAC in the FLNA gene is interpreted as a likely pathogenic variant.

Literature cited by the submitters: PubMed 28898549 (cited by Labcorp Genetics (formerly Invitae), Labcorp); PubMed 16684786 (cited by Labcorp Genetics (formerly Invitae), Labcorp); PubMed 20730588 (cited by Labcorp Genetics (formerly Invitae), Labcorp); PubMed 26471271 (cited by Labcorp Genetics (formerly Invitae), Labcorp).